The following is an entry in ClinVar:

NM_000611.6(CD59):c.328A>C (p.Lys110Gln)

Gene: CD59 (CD59 molecule (CD59 blood group); minus strand). Cytogenetic location: 11p13.
Variant type: single nucleotide variant.
Coding change: c.328A>C on transcript NM_000611.6 (MANE Select); coding-DNA position 328, A replaced by C.
Protein change: p.Lys110Gln; replaces lysine 110 with glutamine.
Molecular consequence: missense variant.
Genome position (GRCh38, 1-based): chr11:33,710,185, T>G on the plus strand (A>C on the coding strand, the complement: CD59 is on the minus strand). VCF-style: chr11-33710185-T-G. GRCh37 (hg19) VCF-style: chr11-33731731-T-G.
Other names: c.328A>C, p.Lys110Gln (NM_001127223.1, NM_001127225.2, NM_001127226.2 and 4 more transcripts); short protein forms K110Q.
Identifiers: ClinVar variation 2110523 (VCV002110523.1), dbSNP rs1564968862, ClinGen allele CA380019968.
Genomic context (GRCh38, chr11:33,710,185, plus strand): 5'-CTTAGGGATGAAGGCTCCAGGCTGCTGCCAGAAATGGAGTCACCAGCAGAAGAACTGTTT[T>G]CTCTGATAAGGATGTCCCACCATTTTCAAGCTGTTCGTTAAAGTTACACAGGTCCTTCTT-3'
Protein context (NP_000602.1, residues 100-120): LENGGTSLSE[Lys110Gln]TVLLLVTPFL

ClinVar aggregate classification (germline): Uncertain significance (1 of 4 stars; one submission).

Allele frequency attached by ClinVar (database versions not stated): gnomAD exomes below 0.00001.
gnomAD v4.1: 1 of 1,614,126 alleles (0.000062%); highest among the groups gnomAD compares: Non-Finnish European, 0.000085%; no homozygotes.

Submission:

Labcorp Genetics (formerly Invitae), Labcorp
Classification: Uncertain significance. Last evaluated: 2022-03-12. Review status: criteria provided, single submitter. Criteria: Invitae Variant Classification Sherloc (09022015). Collection method: clinical testing. Allele origin: germline.
Comment: This sequence change replaces lysine, which is basic and polar, with glutamine, which is neutral and polar, at codon 110 of the CD59 protein (p.Lys110Gln). This variant is not present in population databases (gnomAD no frequency). This variant has not been reported in the literature in individuals affected with CD59-related conditions. Algorithms developed to predict the effect of missense changes on protein structure and function (SIFT, PolyPhen-2, Align-GVGD) all suggest that this variant is likely to be disruptive. In summary, the available evidence is currently insufficient to determine the role of this variant in disease. Therefore, it has been classified as a Variant of Uncertain Significance.